The following is an entry in ClinVar:

NM_001130009.3(GEN1):c.230A>G (p.Glu77Gly)

Gene: GEN1 (GEN1 structure-specific endonuclease; plus strand). Cytogenetic location: 2p24.2.
Variant type: single nucleotide variant.
Coding change: c.230A>G on transcript NM_001130009.3 (MANE Select); coding-DNA position 230, A replaced by G.
Protein change: p.Glu77Gly; replaces glutamic acid 77 with glycine.
Molecular consequence: missense variant.
Genome position (GRCh38, 1-based): chr2:17,761,464, A>G. VCF-style: chr2-17761464-A-G. GRCh37 (hg19) VCF-style: chr2-17942731-A-G.
Other names: c.230A>G, p.Glu77Gly (NM_182625.5); short protein forms E77G.
Identifiers: ClinVar variation 5022330 (VCV005022330.1).

ClinVar aggregate classification (germline): Uncertain significance (1 of 4 stars; one submission).

gnomAD v4.1: 4 of 1,612,956 alleles (0.00025%); highest among the groups gnomAD compares: Non-Finnish European, 0.00034%; no homozygotes.

Submission:

Ambry Genetics
Classification: Uncertain significance. Last evaluated: 2026-08-15. Review status: criteria provided, single submitter. Criteria: Ambry Variant Classification Scheme 2023. Collection method: clinical testing. Allele origin: germline.
Comment: The p.E77G variant (also known as c.230A>G), located in coding exon 2 of the GEN1 gene, results from an A to G substitution at nucleotide position 230. The glutamic acid at codon 77 is replaced by glycine, an amino acid with similar properties. This amino acid position is conserved. In addition, this alteration is predicted to be tolerated by in silico analysis. Based on the available evidence, the clinical significance of this variant remains unclear.